The following is an entry in ClinVar:

NM_022336.4(EDAR):c.483C>T (p.Gly161=)

Genes: EDAR (ectodysplasin A receptor; minus strand), RANBP2 (RAN binding protein 2; plus strand). Cytogenetic location: 2q13.
Variant type: single nucleotide variant.
Coding change: c.483C>T on transcript NM_022336.4 (MANE Select); coding-DNA position 483, C replaced by T.
Protein change: p.Gly161=; no amino-acid change (glycine 161 retained).
Molecular consequence: synonymous variant.
Genome position (GRCh38, 1-based): chr2:108,912,724, G>A on the plus strand (C>T on the coding strand, the complement: EDAR is on the minus strand). VCF-style: chr2-108912724-G-A. GRCh37 (hg19) VCF-style: chr2-109529180-G-A.
Identifiers: ClinVar variation 3250522 (VCV003250522.18), dbSNP rs748598744.

ClinVar aggregate classification (germline): Uncertain significance (1 of 4 stars; one submission).

Allele frequency attached by ClinVar (database versions not stated): gnomAD exomes 0.00001; ExAC 0.00006.
gnomAD v4.1: 11 of 1,602,830 alleles (0.00069%); highest among the groups gnomAD compares: Middle Eastern, 0.017%; no homozygotes.

Submission:

CeGaT Center for Human Genetics Tuebingen
Classification: Uncertain significance. Last evaluated: 2024-06-01. Review status: criteria provided, single submitter. Criteria: CeGaT Center For Human Genetics Tuebingen Variant Classification Criteria Version 2. Collection method: clinical testing. Allele origin: germline. Affected: yes. Observed: 1 variant allele.
Comment: EDAR: PM2:Supporting, BP4